The following is an entry in ClinVar:

NM_000059.3(BRCA2):c.-39-?_67+?del

Gene: BRCA2 (BRCA2 DNA repair associated; plus strand). Cytogenetic location: 13q13.1.
Variant type: Deletion.
Coding change: c.-39-?_67+?del on transcript NM_000059.3.
Other names: c.-39-?_67+?del (LRG_293t1).
Identifiers: ClinVar variation 254039 (VCV000254039.3).

ClinVar aggregate classification (germline): Pathogenic. Review status: criteria provided, multiple submitters, no conflicts (2 of 4 stars). 2 submissions from 2 submitters: Pathogenic (2). Last evaluated 2017-01-06.

Conditions:
Hereditary breast ovarian cancer syndrome. Also called: Hereditary breast and ovarian cancer; Breast and ovarian cancer; Hereditary breast and/or ovarian cancer syndrome; BRCA1- and BRCA2-Associated Hereditary Breast and Ovarian Cancer; Hereditary breast and ovarian cancer syndrome; Hereditary breast and ovarian cancer syndrome (HBOC). Identifiers: Orphanet 145, MedGen C0677776, MeSH D061325, MONDO:0003582. Disease mechanism: loss of function.
Breast-ovarian cancer, familial, susceptibility to, 2 (BROVCA2). Also called: BRCA2 Hereditary Breast and Ovarian Cancer. Identifiers: Orphanet 145, MedGen C2675520, MONDO:0012933, OMIM 612555. Disease mechanism: loss of function.

Submissions (2):

Labcorp Genetics (formerly Invitae), Labcorp
Classification: Pathogenic for Hereditary breast ovarian cancer syndrome. Last evaluated: 2017-01-06. Review status: criteria provided, single submitter. Criteria: Invitae Variant Classification Sherloc (09022015). Collection method: clinical testing. Allele origin: germline.
Comment: This variant is a gross deletion of the genomic region encompassing exon 2 of the BRCA2 gene, which includes the initiator codon. The 3' boundary is likely confined to the intronic region between exons 2 and 3. The 5' end of this event is unknown as it extends beyond the assayed region for this gene. This deletion removes exon 2 and the canonical translation initiation codon from the BRCA2 mRNA. It is therefore predicted to result in an absent protein product. In addition, four different variants involving the canonical initiation codon (c.2T>A, c.2T>C, c.2T>G, and c.3G>A) have been reported in patients with hereditary breast and/or ovarian cancer (PMID: 24607278, 24156927, 14647210, 18182601), indicating that this start site is critical for translation of a functional BRCA2 protein. A similar gross deletion of BRCA2 exon 2 has been reported in a relatively large percentage (~1.8%) of Spanish families with hereditary breast and/or ovarian cancer (PMID: 17063271), and has also been reported in families with male breast cancer (PMID: 26026974). For these reasons, this variant has been classified as Pathogenic.

Consortium of Investigators of Modifiers of BRCA1/2 (CIMBA), c/o University of Cambridge
Classification: Pathogenic for Breast-ovarian cancer, familial, susceptibility to, 2. Last evaluated: 2015-10-02. Review status: criteria provided, single submitter. Criteria: CIMBA Mutation Classification guidelines May 2016. Collection method: clinical testing. Allele origin: germline.